The following is an entry in ClinVar:

ClinVar aggregate classification (germline): Uncertain significance (1 of 4 stars; one submission).

Conditions:
Rhabdoid tumor predisposition syndrome 2 (RTPS2). Identifiers: Orphanet 231108, Orphanet 69077, MedGen C2750074, MONDO:0013224, OMIM 613325.

Submission:

Labcorp Genetics (formerly Invitae), Labcorp
Classification: Uncertain significance for Rhabdoid tumor predisposition syndrome 2. Last evaluated: 2023-10-15. Review status: criteria provided, single submitter. Criteria: Invitae Variant Classification Sherloc (09022015). Collection method: clinical testing. Allele origin: germline.
Comment: This sequence change replaces leucine, which is neutral and non-polar, with isoleucine, which is neutral and non-polar, at codon 1557 of the SMARCA4 protein (p.Leu1557Ile). This variant is not present in population databases (gnomAD no frequency). This variant has not been reported in the literature in individuals affected with SMARCA4-related conditions. Advanced modeling of protein sequence and biophysical properties (such as structural, functional, and spatial information, amino acid conservation, physicochemical variation, residue mobility, and thermodynamic stability) has been performed at Invitae for this missense variant, however the output from this modeling did not meet the statistical confidence thresholds required to predict the impact of this variant on SMARCA4 protein function. In summary, the available evidence is currently insufficient to determine the role of this variant in disease. Therefore, it has been classified as a Variant of Uncertain Significance.

NM_003072.5(SMARCA4):c.4573C>A (p.Leu1525Ile)

Gene: SMARCA4 (SWI/SNF related BAF chromatin remodeling complex subunit ATPase 4; plus strand). Cytogenetic location: 19p13.2.
Variant type: single nucleotide variant.
Coding change: c.4573C>A on transcript NM_003072.5 (MANE Select); coding-DNA position 4573, C replaced by A.
Protein change: p.Leu1525Ile; replaces leucine 1525 with isoleucine.
Molecular consequence: missense variant. On other transcripts: non-coding transcript variant (1).
Genome position (GRCh38, 1-based): chr19:11,058,827, C>A. VCF-style: chr19-11058827-C-A. GRCh37 (hg19) VCF-style: chr19-11169503-C-A.
Other names: c.4573C>A, p.Leu1525Ile (NM_001128844.3); c.4483C>A, p.Leu1495Ile (NM_001128845.2); c.4480C>A, p.Leu1494Ile (NM_001128846.2); c.4474C>A, p.Leu1492Ile (NM_001128847.4, NM_001374457.1); c.4471C>A, p.Leu1491Ile (NM_001128848.2); c.4669C>A, p.Leu1557Ile (NM_001128849.3, NM_001387283.1); c.4570C>A, p.Leu1524Ile (NM_001411150.1); short protein forms L1494I, L1495I, L1492I, L1491I, L1524I, L1525I, L1557I.
Identifiers: ClinVar variation 2768594 (VCV002768594.3), dbSNP rs1555795366, ClinGen allele CA404078846.